The following is an entry in ClinVar:

NM_001191061.2(SLC25A22):c.933G>A (p.Ala311=)

Gene: SLC25A22 (solute carrier family 25 member 22; minus strand). Cytogenetic location: 11p15.5.
Variant type: single nucleotide variant.
Coding change: c.933G>A on transcript NM_001191061.2 (MANE Select); coding-DNA position 933, G replaced by A.
Protein change: p.Ala311=; no amino-acid change (alanine 311 retained).
Molecular consequence: synonymous variant.
Genome position (GRCh38, 1-based): chr11:791,954, C>T on the plus strand (G>A on the coding strand, the complement: SLC25A22 is on the minus strand). VCF-style: chr11-791954-C-T. GRCh37 (hg19) VCF-style: chr11-791954-C-T.
Other names: p.A311A:GCG>GCA; c.933G>A (NM_001191061.1); c.933G>A, p.Ala311= (NM_001191060.2, NM_024698.6).
Identifiers: ClinVar variation 139146 (VCV000139146.14), dbSNP rs587781170, ClinGen allele CA293527.
Genomic context (GRCh38, chr11:791,954, plus strand): 5'-GGGGTGGAGCGGGTGCTGGGCTCAGGCCTGGGGGTCCTGCAGCAGCCCCAGCAGGGACTC[C>T]GCGATGCCCAGGAAGTAGACCACCTGTGCGATGCCGAAAAGGGGCGCGATGACCAGCGCG-3'
Protein context (NP_001177990.1, residues 301-321): IAQVVYFLGI[Ala311=]ESLLGLLQDP

ClinVar aggregate classification (germline): Benign/Likely benign. Review status: criteria provided, multiple submitters, no conflicts (2 of 4 stars). 4 submissions from 4 submitters: Benign (1); Likely benign (3). Last evaluated 2025-08-09.

Conditions:
Early-infantile DEE. Also called: Early infantile epileptic encephalopathy with suppression bursts; Early infantile epileptic encephalopathy; Ohtahara syndrome. Identifiers: Orphanet 1934, MedGen C0393706, MONDO:0800491.

Allele frequency attached by ClinVar (database versions not stated): gnomAD 0.00003 and 0.00005; TOPMed 0.00005; gnomAD exomes 0.00006 and 0.00009; ExAC 0.00009.
gnomAD v4.1: 101 of 1,605,362 alleles (0.0063%); highest among the groups gnomAD compares: South Asian, 0.036%; no homozygotes.

Submissions (4):

Labcorp Genetics (formerly Invitae), Labcorp
Classification: Likely benign for Early-infantile DEE. Last evaluated: 2025-08-09. Review status: criteria provided, single submitter. Criteria: Invitae Variant Classification Sherloc (09022015). Collection method: clinical testing. Allele origin: germline.

Athena Diagnostics
Classification: Likely benign. Last evaluated: 2025-01-09. Review status: criteria provided, single submitter. Criteria: Athena Diagnostics Criteria. Collection method: clinical testing. Allele origin: unknown.
Comment: Computational tools yielded predictions that this variant is unlikely to have an effect on normal RNA splicing. This nucleotide position exhibits low evolutionary conservation.

Blueprint Genetics
Classification: Likely benign. Last evaluated: 2024-09-02. Review status: criteria provided, single submitter. Criteria: ACMG Guidelines, 2015. Collection method: clinical testing. Allele origin: germline.

GeneDx
Classification: Benign. Last evaluated: 2013-09-27. Review status: criteria provided, single submitter. Criteria: GeneDx Variant Classification (06012015). Collection method: clinical testing. Allele origin: germline. Affected: yes.
Comment: This variant is considered likely benign or benign based on one or more of the following criteria: it is a conservative change, it occurs at a poorly conserved position in the protein, it is predicted to be benign by multiple in silico algorithms, and/or has population frequency not consistent with disease.